The following is an entry in ClinVar:

ClinVar aggregate classification (germline): Conflicting classifications of pathogenicity. Review status: criteria provided, conflicting classifications (1 of 4 stars). 7 submissions from 7 submitters: Uncertain significance (5); Benign (1); Likely benign (1). Last evaluated 2026-08-17.

Conditions:
OCA2-related disorder. Also called: OCA2-related condition.
Tyrosinase-positive oculocutaneous albinism (OCA2). Also called: Oculocutaneous albinism type 2; ALBINISM II; Albinism, oculocutaneous, type II. Identifiers: Orphanet 79432, MedGen C0268495, MONDO:0008746, OMIM 203200.

Allele frequency attached by ClinVar (database versions not stated): gnomAD exomes 0.00015 and 0.00049; ExAC 0.00062; 1000 Genomes Project 0.00200; ESP Exome Variant Server 0.00200; gnomAD 0.00200 and 0.00213; TOPMed 0.00202; 1000 Genomes Project 30x 0.00250.
gnomAD v4.1: 524 of 1,614,178 alleles (0.032%); highest among the groups gnomAD compares: African/African-American, 0.64%; 4 homozygotes.

Submissions (7):

PreventionGenetics, part of Exact Sciences
Classification: Uncertain significance for OCA2-related condition. Last evaluated: 2026-08-17. Review status: criteria provided, single submitter. Criteria: ACMG Guidelines, 2015. Collection method: clinical testing. Allele origin: germline.
Comment: The OCA2 c.1153T>A variant is predicted to result in the amino acid substitution p.Phe385Ile. This variant has been reported along with a second OCA2 variant an individual with oculocutaneous albinism (Lee et al 1994. PubMed ID: 7874125). This variant is present in 0.70% of alleles in individuals of African descent in gnomAD, including four homozygotes in gnomAD v4.1.0, indicating it is relatively common in this population. Although we suspect that this variant may be benign, at this time, the clinical significance of this variant is uncertain due to the absence of conclusive functional and genetic evidence.

Labcorp Genetics (formerly Invitae), Labcorp
Classification: Benign. Last evaluated: 2026-01-26. Review status: criteria provided, single submitter. Criteria: Invitae Variant Classification Sherloc (09022015). Collection method: clinical testing. Allele origin: germline.

GeneDx
Classification: Uncertain significance. Last evaluated: 2025-07-21. Review status: criteria provided, single submitter. Criteria: GeneDx Variant Classification Process June 2021. Collection method: clinical testing. Allele origin: germline. Affected: yes.
Comment: Observed with a second OCA2 variant in a patient with oculocutaneous albinism in the published literature, however parental studies were not performed to determine the phase of these two variants (PMID: 7874125); In silico analysis suggests that this missense variant does not alter protein structure/function; This variant is associated with the following publications: (PMID: 25525159, 7874125)

Blueprint Genetics
Classification: Likely benign. Last evaluated: 2024-10-10. Review status: criteria provided, single submitter. Criteria: ACMG Guidelines, 2015. Collection method: clinical testing. Allele origin: germline.

Genome-Nilou Lab
Classification: Uncertain significance for Tyrosinase-positive oculocutaneous albinism. Last evaluated: 2021-11-07. Review status: criteria provided, single submitter. Criteria: ACMG Guidelines, 2015. Collection method: clinical testing. Allele origin: germline. Affected: no.

Eurofins Ntd Llc (ga)
Classification: Uncertain significance. Last evaluated: 2018-03-13. Review status: criteria provided, single submitter. Criteria: EGL ClinVar v180209 classification definitions. Collection method: clinical testing. Allele origin: germline. Observed: 1 variant allele, 1 heterozygote.

Genetic Services Laboratory, University of Chicago
Classification: Uncertain significance. Last evaluated: 2015-01-13. Review status: criteria provided, single submitter. Criteria: ACMG Guidelines, 2015. Collection method: clinical testing. Allele origin: germline.

NM_000275.3(OCA2):c.1153T>A (p.Phe385Ile)

Gene: OCA2 (OCA2 melanosomal transmembrane protein; minus strand). Cytogenetic location: 15q13.1.
Variant type: single nucleotide variant.
Coding change: c.1153T>A on transcript NM_000275.3 (MANE Select); coding-DNA position 1153, T replaced by A.
Protein change: p.Phe385Ile; replaces phenylalanine 385 with isoleucine.
Molecular consequence: missense variant.
Genome position (GRCh38, 1-based): chr15:27,989,630, A>T on the plus strand (T>A on the coding strand, the complement: OCA2 is on the minus strand). VCF-style: chr15-27989630-A-T. GRCh37 (hg19) VCF-style: chr15-28234776-A-T.
Other names: c.1081T>A, p.Phe361Ile (NM_001300984.2); short protein forms F385I, F361I.
Identifiers: ClinVar variation 211765 (VCV000211765.28), dbSNP rs137956605, ClinGen allele CA205260.